The following is an entry in ClinVar:

NM_213622.4(STAMBP):c.487dup (p.His163fs)

Gene: STAMBP (STAM binding protein; plus strand). Cytogenetic location: 2p13.1.
Variant type: Duplication.
Coding change: c.487dup on transcript NM_213622.4 (MANE Select); coding-DNA position 487, one base duplicated (C; older notation c.487dupC).
Protein change: p.His163fs; shifts the reading frame from histidine 163.
Molecular consequence: frameshift variant. On other transcripts: non-coding transcript variant (4).
Genome position (GRCh38, 1-based): chr2:73,847,498, C duplicated; the last of 2 consecutive C bases (chr2:73,847,497-73,847,498); duplicating either gives the same sequence. VCF-style (leftmost placement, unchanged base first): chr2-73847496-T-TC. GRCh37 (hg19) VCF-style: chr2-74074623-T-TC.
Other names: c.487dup, p.His163fs (NM_001353967.2, NM_001353968.2, NM_001353969.2 and 3 more transcripts); c.82dup, p.His28fs (NM_001353971.2, NM_001353972.2, NM_001353973.2 and 3 more transcripts); short protein forms H163fs, H28fs.
Identifiers: ClinVar variation 2028025 (VCV002028025.4), dbSNP rs2466593252, ClinGen allele CA2580068170.

ClinVar aggregate classification (germline): Pathogenic (1 of 4 stars; one submission).

Submission:

Labcorp Genetics (formerly Invitae), Labcorp
Classification: Pathogenic. Last evaluated: 2022-05-15. Review status: criteria provided, single submitter. Criteria: Invitae Variant Classification Sherloc (09022015). Collection method: clinical testing. Allele origin: germline.
Comment: For these reasons, this variant has been classified as Pathogenic. This variant has not been reported in the literature in individuals affected with STAMBP-related conditions. This variant is not present in population databases (gnomAD no frequency). This sequence change creates a premature translational stop signal (p.His163Profs*37) in the STAMBP gene. It is expected to result in an absent or disrupted protein product. Loss-of-function variants in STAMBP are known to be pathogenic (PMID: 23542699).

Literature cited by the submitters: PubMed 23542699.